The following is an entry in ClinVar:

ClinVar aggregate classification (germline): Benign/Likely benign. Review status: criteria provided, multiple submitters, no conflicts (2 of 4 stars). 7 submissions from 7 submitters: Benign (6); Likely benign (1). Last evaluated 2026-02-02.

Conditions:
Fanconi anemia complementation group I (FANCI). Also called: FANCI-Related Fanconi Anemia. Identifiers: Orphanet 84, MedGen C1836861, MONDO:0012186, OMIM 609053.
Fanconi anemia (FA). Also called: Fanconi's anemia. Identifiers: Orphanet 84, MedGen C0015625, MeSH D005199, MONDO:0019391.

Allele frequency attached by ClinVar (database versions not stated): gnomAD exomes 0.00835; ExAC 0.00993; gnomAD 0.03081 and 0.03295; 1000 Genomes Project 0.03275; 1000 Genomes Project 30x 0.03420; ESP Exome Variant Server 0.03547; TOPMed 0.03563.
gnomAD v4.1: 9,932 of 1,613,680 alleles (0.62%); highest among the groups gnomAD compares: African/African-American, 11%; 467 homozygotes.

Submissions (7):

Labcorp Genetics (formerly Invitae), Labcorp
Classification: Benign for Fanconi anemia. Last evaluated: 2026-02-02. Review status: criteria provided, single submitter. Criteria: Invitae Variant Classification Sherloc (09022015). Collection method: clinical testing. Allele origin: germline.

ARUP Laboratories, Molecular Genetics and Genomics, ARUP Laboratories
Classification: Benign for Fanconi anemia complementation group I. Last evaluated: 2025-05-21. Review status: criteria provided, single submitter. Criteria: ARUP Molecular Germline Variant Investigation Process 2024. Collection method: clinical testing. Allele origin: germline.

Blueprint Genetics
Classification: Likely benign. Last evaluated: 2024-11-27. Review status: criteria provided, single submitter. Criteria: ACMG Guidelines, 2015. Collection method: clinical testing. Allele origin: germline.

KCCC/NGS Laboratory, Kuwait Cancer Control Center
Classification: Benign for Fanconi anemia complementation group I. Last evaluated: 2023-07-07. Review status: criteria provided, single submitter. Criteria: ACMG Guidelines, 2015. Collection method: clinical testing. Allele origin: germline. Affected: yes.

GeneDx
Classification: Benign. Last evaluated: 2018-07-05. Review status: criteria provided, single submitter. Criteria: GeneDx Variant Classification Process June 2021. Collection method: clinical testing. Allele origin: germline. Affected: yes.

Illumina Laboratory Services, Illumina
Classification: Benign for Fanconi anemia complementation group I. Last evaluated: 2018-01-13. Review status: criteria provided, single submitter. Criteria: ICSL Variant Classification Criteria 13 December 2019. Collection method: clinical testing. Allele origin: germline.
Comment: This variant was observed in the ICSL laboratory as part of a predisposition screen in an ostensibly healthy population. It had not been previously curated by ICSL or reported in the Human Gene Mutation Database (HGMD: prior to June 1st, 2018), and was therefore a candidate for classification through an automated scoring system. Utilizing variant allele frequency, disease prevalence and penetrance estimates, and inheritance mode, an automated score was calculated to assess if this variant is too frequent to cause the disease. Based on the score and internal cut-off values, a variant classified as benign is not then subjected to further curation. The score for this variant resulted in a classification of benign for this disease.

Breakthrough Genomics
Classification: Benign. Review status: criteria provided, single submitter. Criteria: ACMG Guidelines, 2015. Collection method: not provided. Allele origin: germline. Inheritance: Autosomal recessive inheritance. Affected: yes.

NM_001113378.2(FANCI):c.2028C>T (p.Ala676=)

Gene: FANCI (FA complementation group I; plus strand). Cytogenetic location: 15q26.1.
Variant type: single nucleotide variant.
Coding change: c.2028C>T on transcript NM_001113378.2 (MANE Select); coding-DNA position 2028, C replaced by T.
Protein change: p.Ala676=; no amino-acid change (alanine 676 retained).
Molecular consequence: synonymous variant.
Genome position (GRCh38, 1-based): chr15:89,292,723, C>T. VCF-style: chr15-89292723-C-T. GRCh37 (hg19) VCF-style: chr15-89835954-C-T.
Other names: c.1749C>T, p.Ala583= (NM_001376910.1); c.2028C>T, p.Ala676= (NM_001376911.1, NM_018193.3).
Identifiers: ClinVar variation 317284 (VCV000317284.22), dbSNP rs16942969, ClinGen allele CA7723263.